The following is an entry in ClinVar:

NM_004621.6(TRPC6):c.2379del (p.Gly794fs)

Gene: TRPC6 (transient receptor potential cation channel subfamily C member 6; minus strand). Cytogenetic location: 11q22.1.
Variant type: Deletion.
Coding change: c.2379del on transcript NM_004621.6 (MANE Select); coding-DNA position 2379, one base deleted (A; older notation c.2379delA).
Protein change: p.Gly794fs; shifts the reading frame from glycine 794.
Molecular consequence: frameshift variant.
Genome position (GRCh38, 1-based): chr11:101,471,213, T deleted on the plus strand (A on the coding strand, the reverse complement: TRPC6 is on the minus strand); the first of 6 consecutive T bases (chr11:101,471,213-101,471,218); deleting any one gives the same sequence. VCF-style (leftmost placement, unchanged base first): chr11-101471212-CT-C. GRCh37 (hg19) VCF-style: chr11-101341943-CT-C.
Other names: c.2379delA (NM_004621.6); c.2031del, p.Gly678fs (NM_001439335.1); short protein forms G678fs, G794fs.
Identifiers: ClinVar variation 4856420 (VCV004856420.1).

ClinVar aggregate classification (germline): Likely pathogenic (1 of 4 stars; one submission).

Conditions:
Focal segmental glomerulosclerosis 2 (FSGS2). Identifiers: Orphanet 656, MedGen C1858915, MONDO:0011390, OMIM 603965.

Submission:

Molecular Lab, University of Sulaimaniyah
Classification: Likely pathogenic for Focal segmental glomerulosclerosis 2. Last evaluated: 2026-04-06. Review status: criteria provided, single submitter. Criteria: ACMG Guidelines, 2015. Collection method: research. Allele origin: germline. Inheritance: Autosomal dominant inheritance. Affected: yes. Observed: 1 variant allele, 3 homozygotes. Clinical features observed: Biopsy-proven focal segmental glomerulosclerosis.
Comment: This variant was classified using the ACMG/AMP 2015 framework (PMID:25741868). PVS1 was applied because TRPC6 c.2379delA is predicted to cause a frameshift and premature termination. PM2 was considered because the variant is absent or rare in population databases. PP4 was used as supporting case-level evidence because the variant was observed in an affected individual from a biopsy-proven focal segmental glomerulosclerosis cohort. As internal case-level support, the variant was observed in 1 affected individual(s) among 35 individuals tested, including 1 single heterozygote. No functional assay evidence is submitted. Overall, the submitted evidence supported a Likely pathogenic classification.